The following is an entry in ClinVar:

NM_052947.4(ALPK2):c.3956C>T (p.Pro1319Leu)

Genes: ALPK2 (alpha kinase 2; minus strand), LOC126862764 (BRD4-independent group 4 enhancer GRCh37_chr18:56202574-56203773; plus strand). Cytogenetic location: 18q21.31.
Variant type: single nucleotide variant.
Coding change: c.3956C>T on transcript NM_052947.4 (MANE Select); coding-DNA position 3956, C replaced by T.
Protein change: p.Pro1319Leu; replaces proline 1319 with leucine.
Molecular consequence: missense variant.
Genome position (GRCh38, 1-based): chr18:58,536,231, G>A on the plus strand (C>T on the coding strand, the complement: ALPK2 is on the minus strand). VCF-style: chr18-58536231-G-A. GRCh37 (hg19) VCF-style: chr18-56203463-G-A.
Other names: short protein forms P1319L.
Identifiers: ClinVar variation 2626002 (VCV002626002.2), dbSNP rs2518875670, ClinGen allele CA402565012.
Genomic context (GRCh38, chr18:58,536,231, plus strand): 5'-AGGAGTCTGGGTTGGCTGAAACCCCGGGAAGAAAGACTTCTCCAATGTACACTGATGGTG[G>A]GCTCTTCGCCTTTATGGCTTTCTCTGCTATCAGCAAGGGCTGACTCAGCATCCTCTGGAC-3'
Protein context (NP_443179.3, residues 1309-1329): DSRESHKGEE[Pro1319Leu]TISVHWRSLS

ClinVar aggregate classification (germline): Uncertain significance (1 of 4 stars; one submission).

Submission:

Ambry Genetics
Classification: Uncertain significance. Last evaluated: 2023-07-26. Review status: criteria provided, single submitter. Criteria: Ambry Variant Classification Scheme 2023. Collection method: clinical testing. Allele origin: germline.
Comment: The p.P1319L variant (also known as c.3956C>T), located in coding exon 4 of the ALPK2 gene, results from a C to T substitution at nucleotide position 3956. The proline at codon 1319 is replaced by leucine, an amino acid with similar properties. This amino acid position is conserved. In addition, this alteration is predicted to be tolerated by in silico analysis. Since supporting evidence is limited at this time, the clinical significance of this alteration remains unclear.